The following is an entry in ClinVar:

NM_000430.4(PAFAH1B1):c.394A>G (p.Ile132Val)

Gene: PAFAH1B1 (platelet activating factor acetylhydrolase 1b regulatory subunit 1; plus strand). Cytogenetic location: 17p13.3.
Variant type: single nucleotide variant.
Coding change: c.394A>G on transcript NM_000430.4 (MANE Select); coding-DNA position 394, A replaced by G.
Protein change: p.Ile132Val; replaces isoleucine 132 with valine.
Molecular consequence: missense variant.
Genome position (GRCh38, 1-based): chr17:2,667,193, A>G. VCF-style: chr17-2667193-A-G. GRCh37 (hg19) VCF-style: chr17-2570487-A-G.
Other names: short protein forms I132V.
Identifiers: ClinVar variation 2693574 (VCV002693574.3), dbSNP rs2544090463, ClinGen allele CA397639218.

ClinVar aggregate classification (germline): Uncertain significance (1 of 4 stars; one submission).

Allele frequency attached by ClinVar (database versions not stated): gnomAD exomes below 0.00001.
gnomAD v4.1: 3 of 1,612,074 alleles (0.00019%); highest among the groups gnomAD compares: Non-Finnish European, 0.00025%; no homozygotes.

Submission:

Labcorp Genetics (formerly Invitae), Labcorp
Classification: Uncertain significance. Last evaluated: 2023-11-06. Review status: criteria provided, single submitter. Criteria: Invitae Variant Classification Sherloc (09022015). Collection method: clinical testing. Allele origin: germline.
Comment: This sequence change replaces isoleucine, which is neutral and non-polar, with valine, which is neutral and non-polar, at codon 132 of the PAFAH1B1 protein (p.Ile132Val). This variant is not present in population databases (gnomAD no frequency). This variant has not been reported in the literature in individuals affected with PAFAH1B1-related conditions. An algorithm developed to predict the effect of missense changes on protein structure and function (PolyPhen-2) suggests that this variant is likely to be tolerated. In summary, the available evidence is currently insufficient to determine the role of this variant in disease. Therefore, it has been classified as a Variant of Uncertain Significance.